The following is an entry in ClinVar:

ClinVar aggregate classification (germline): Uncertain significance (1 of 4 stars; one submission).

Submission:

CeGaT Center for Human Genetics Tuebingen
Classification: Uncertain significance. Last evaluated: 2025-02-01. Review status: criteria provided, single submitter. Criteria: CeGaT Center For Human Genetics Tuebingen Variant Classification Criteria Version 2. Collection method: clinical testing. Allele origin: germline. Affected: yes. Observed: 1 variant allele.
Comment: TTN: PM2, BP4

NM_001267550.2(TTN):c.10288A>G (p.Asn3430Asp)

Gene: TTN (titin; minus strand). Cytogenetic location: 2q31.2.
Variant type: single nucleotide variant.
Coding change: c.10288A>G on transcript NM_001267550.2 (MANE Select); coding-DNA position 10288, A replaced by G.
Protein change: p.Asn3430Asp; replaces asparagine 3430 with aspartic acid.
Molecular consequence: missense variant.
Genome position (GRCh38, 1-based): chr2:178,758,999, T>C on the plus strand (A>G on the coding strand, the complement: TTN is on the minus strand). VCF-style: chr2-178758999-T-C. GRCh37 (hg19) VCF-style: chr2-179623726-T-C.
Other names: c.10288A>G, p.Asn3430Asp (NM_001256850.1, NM_133378.4, NM_133379.5); c.10150A>G, p.Asn3384Asp (NM_003319.4, NM_133432.3, NM_133437.4); short protein forms N3384D, N3430D.
Identifiers: ClinVar variation 3771345 (VCV003771345.13).
Genomic context (GRCh38, chr2:178,758,999, plus strand): 5'-TTCGATCTATATTTAAATGGGGTTCTGAAAGTTGTTTTACTTTACCTTCCAGACTCAGGT[T>C]GGCTGTGCTTGATACTTGGCCTACAGCATTACTAGCAACAAACGTGTAAGTTCCTTCATC-3'
Protein context (NP_001254479.2, residues 3420-3440): NAVGQVSSTA[Asn3430Asp]LSLEGFSKFE